The following is an entry in ClinVar:

NM_017534.6(MYH2):c.635C>A (p.Ser212Tyr)

Genes: MYHAS (myosin heavy chain gene cluster antisense RNA; plus strand), MYH2 (myosin heavy chain 2; minus strand), LOC126862501 (CDK7 strongly-dependent group 2 enhancer GRCh37_chr17:10446256-10447455; plus strand). Cytogenetic location: 17p13.1.
Variant type: single nucleotide variant.
Coding change: c.635C>A on transcript NM_017534.6 (MANE Select); coding-DNA position 635, C replaced by A.
Protein change: p.Ser212Tyr; replaces serine 212 with tyrosine.
Molecular consequence: missense variant.
Genome position (GRCh38, 1-based): chr17:10,543,915, G>T on the plus strand (C>A on the coding strand, the complement: MYH2 is on the minus strand). VCF-style: chr17-10543915-G-T. GRCh37 (hg19) VCF-style: chr17-10447232-G-T.
Other names: c.635C>A, p.Ser212Tyr (NM_001100112.2); short protein forms S212Y.
Identifiers: ClinVar variation 1993878 (VCV001993878.4), dbSNP rs2508469766, ClinGen allele CA398169189.

ClinVar aggregate classification (germline): Uncertain significance (1 of 4 stars; one submission).

Conditions:
Myopathy, proximal, and ophthalmoplegia (CMYO6). Also called: MYOPATHY WITH CONGENITAL JOINT CONTRACTURES, OPHTHALMOPLEGIA, AND RIMMED VACUOLES; INCLUSION BODY MYOPATHY 3, AUTOSOMAL DOMINANT; CONGENITAL MYOPATHY 6 WITH OPHTHALMOPLEGIA. Identifiers: Orphanet 363677, Orphanet 79091, MedGen C1854106, MONDO:0011577, OMIM 605637.

Allele frequency attached by ClinVar (database versions not stated): gnomAD exomes below 0.00001.
gnomAD v4.1: 1 of 1,614,216 alleles (0.000062%); highest among the groups gnomAD compares: Non-Finnish European, 0.000085%; no homozygotes.

Submission:

Labcorp Genetics (formerly Invitae), Labcorp
Classification: Uncertain significance for Myopathy, proximal, and ophthalmoplegia. Last evaluated: 2022-06-28. Review status: criteria provided, single submitter. Criteria: Invitae Variant Classification Sherloc (09022015). Collection method: clinical testing. Allele origin: germline.
Comment: In summary, the available evidence is currently insufficient to determine the role of this variant in disease. Therefore, it has been classified as a Variant of Uncertain Significance. Algorithms developed to predict the effect of missense changes on protein structure and function are either unavailable or do not agree on the potential impact of this missense change (SIFT: "Deleterious"; PolyPhen-2: "Benign"; Align-GVGD: "Class C15"). This variant has not been reported in the literature in individuals affected with MYH2-related conditions. This variant is not present in population databases (gnomAD no frequency). This sequence change replaces serine, which is neutral and polar, with tyrosine, which is neutral and polar, at codon 212 of the MYH2 protein (p.Ser212Tyr).